The following is an entry in ClinVar:

NM_001184.4(ATR):c.4298T>C (p.Met1433Thr)

Gene: ATR (ATR checkpoint kinase; minus strand). Cytogenetic location: 3q23.
Variant type: single nucleotide variant.
Coding change: c.4298T>C on transcript NM_001184.4 (MANE Select); coding-DNA position 4298, T replaced by C.
Protein change: p.Met1433Thr; replaces methionine 1433 with threonine.
Molecular consequence: missense variant.
Genome position (GRCh38, 1-based): chr3:142,519,753, A>G on the plus strand (T>C on the coding strand, the complement: ATR is on the minus strand). VCF-style: chr3-142519753-A-G. GRCh37 (hg19) VCF-style: chr3-142238595-A-G.
Other names: c.4106T>C, p.Met1369Thr (NM_001354579.2); short protein forms M1369T, M1433T.
Identifiers: ClinVar variation 3221159 (VCV003221159.1), dbSNP rs1553763577, ClinGen allele CA354800359.

ClinVar aggregate classification (germline): Uncertain significance (1 of 4 stars; one submission).

Conditions:
Inborn genetic diseases. Identifiers: MedGen C0950123, MeSH D030342.

Submission:

Ambry Genetics
Classification: Uncertain significance for Inborn genetic diseases. Last evaluated: 2023-11-02. Review status: criteria provided, single submitter. Criteria: Ambry Variant Classification Scheme 2023. Collection method: clinical testing. Allele origin: germline.
Comment: The p.M1433T variant (also known as c.4298T>C), located in coding exon 24 of the ATR gene, results from a T to C substitution at nucleotide position 4298. The methionine at codon 1433 is replaced by threonine, an amino acid with similar properties. This amino acid position is conserved. In addition, this alteration is predicted to be tolerated by in silico analysis. Since supporting evidence is limited at this time, the clinical significance of this alteration remains unclear.